The following is an entry in ClinVar:

ClinVar aggregate classification (germline): Pathogenic. Review status: criteria provided, multiple submitters, no conflicts (2 of 4 stars). 3 submissions from 3 submitters: Pathogenic (2). 1 of the submissions does not count toward it. Last evaluated 2021-11-15.

Conditions:
KCNH2-related disorder. Also called: KCNH2-related disorders; KCNH2-related condition.
Familial long QT syndrome (RWS). Also called: Congenital long QT syndrome; Romano-Ward syndrome; VENTRICULAR FIBRILLATION WITH PROLONGED QT INTERVAL. Identifiers: Orphanet 768, MedGen C1141890, MONDO:0019171.

Submissions (3):

Blueprint Genetics
Classification: Pathogenic for KCNH2-related disorders. Last evaluated: 2021-11-15. Review status: criteria provided, single submitter. Criteria: ACMG Guidelines, 2015. Collection method: clinical testing. Allele origin: germline. Affected: yes. Observed: 1 variant allele.

GeneDx
Classification: Pathogenic. Last evaluated: 2013-11-22. Review status: criteria provided, single submitter. Criteria: GeneDx Variant Classification (06012015). Collection method: clinical testing. Allele origin: germline. Affected: yes.
Comment: p.Met645Val (ATG>GTG): c.1933 A>G in exon 7 of the KCNH2 gene (NM_000238.2). The Met645Val mutation in the KCNH2 gene has been reported as a de novo mutation identified in a neonate with bradycardia, heart failure, ventricular tachycardia, and syncope (Lupoglazoff J et al., 2004). Met645Val was not observed in 200 control alleles (Lupoglazoff J et al., 2004) and it was not observed inapproximately 6,500 individuals of European and African American ancestry in the NHLBI Exome Sequencing Project, indicating it is not a common benign variant in these populations. Mutations at this residue (Met645Ile, Met645Arg, Met645Leu) and in nearby residues (Val644Leu, Val644Phe, Gly648Ser) have been reported in association with LQTS, further supporting the functional importance of this residue and this region of the protein. In summary, Met645Val in the KCNH2 gene is interpreted as a disease-causing mutation. The variant is found in LQT panel(s).

Cardiovascular Biomedical Research Unit, Royal Brompton & Harefield NHS Foundation Trust
No classification provided. Condition: Familial long QT syndrome. Review status: no classification provided. Collection method: literature only. Allele origin: germline. Not counted in ClinVar's aggregate classification.
Comment: This variant has been reported as associated with Long QT syndrome in the following publications (PMID:14998624). This is a literature report, and does not necessarily reflect the clinical interpretation of the Imperial College / Royal Brompton Cardiovascular Genetics laboratory.

Literature cited by the submitters: PubMed 14998624 (cited by Cardiovascular Biomedical Research Unit, Royal Brompton & Harefield NHS Foundation Trust); PubMed 22581653 (cited by Cardiovascular Biomedical Research Unit, Royal Brompton & Harefield NHS Foundation Trust).

NM_000238.4(KCNH2):c.1933A>G (p.Met645Val)

Gene: KCNH2 (potassium voltage-gated channel subfamily H member 2; minus strand). Cytogenetic location: 7q36.1.
Variant type: single nucleotide variant.
Coding change: c.1933A>G on transcript NM_000238.4 (MANE Select); coding-DNA position 1933, A replaced by G.
Protein change: p.Met645Val; replaces methionine 645 with valine.
Molecular consequence: missense variant.
Genome position (GRCh38, 1-based): chr7:150,951,460, T>C on the plus strand (A>G on the coding strand, the complement: KCNH2 is on the minus strand). VCF-style: chr7-150951460-T-C. GRCh37 (hg19) VCF-style: chr7-150648548-T-C.
Other names: p.M645V:ATG>GTG; c.1933A>G (LRG_288t1); c.913A>G, p.Met305Val (NM_001204798.2, NM_172057.3); c.1645A>G, p.Met549Val (NM_001406753.1, NM_001406756.1); c.1756A>G, p.Met586Val (NM_001406755.1); c.1633A>G, p.Met545Val (NM_001406757.1); c.1933A>G, p.Met645Val (NM_172056.3); short protein forms M305V, M645V, M545V, M549V, M586V.
Identifiers: ClinVar variation 67341 (VCV000067341.5), dbSNP rs199472974, ClinGen allele CA006050.